The following is an entry in ClinVar:

NM_000478.6(ALPL):c.1112C>T (p.Thr371Ile)

Gene: ALPL (alkaline phosphatase, biomineralization associated; plus strand). Cytogenetic location: 1p36.12.
Variant type: single nucleotide variant.
Coding change: c.1112C>T on transcript NM_000478.6 (MANE Select); coding-DNA position 1112, C replaced by T.
Protein change: p.Thr371Ile; replaces threonine 371 with isoleucine.
Molecular consequence: missense variant.
Genome position (GRCh38, 1-based): chr1:21,575,847, C>T. VCF-style: chr1-21575847-C-T. GRCh37 (hg19) VCF-style: chr1-21902340-C-T.
Other names: c.1112C>T (NM_000478.4); c.947C>T, p.Thr316Ile (NM_001127501.4); c.881C>T, p.Thr294Ile (NM_001177520.3); c.1112C>T, p.Thr371Ile (NM_001369803.2, NM_001369804.2, NM_001369805.2); short protein forms T294I, T316I, T371I.
Identifiers: ClinVar variation 2733849 (VCV002733849.5), dbSNP rs751292739, ClinGen allele CA666733.

ClinVar aggregate classification (germline): Conflicting classifications of pathogenicity. Review status: criteria provided, conflicting classifications (1 of 4 stars). 3 submissions from 3 submitters: Pathogenic (1); Likely pathogenic (1); Uncertain significance (1). Last evaluated 2026-01-26.

Conditions:
Hypophosphatasia. Also called: Phosphoethanol-aminuria. Identifiers: Orphanet 436, MedGen C0020630, MeSH D007014, MONDO:0018570.

Allele frequency attached by ClinVar (database versions not stated): ExAC 0.00001; gnomAD exomes below 0.00001.
gnomAD v4.1: 1 of 1,614,218 alleles (0.000062%); highest among the groups gnomAD compares: Non-Finnish European, 0.000085%; no homozygotes.

Submissions (3):

GeneDx
Classification: Uncertain significance. Last evaluated: 2026-01-26. Review status: criteria provided, single submitter. Criteria: GeneDx Variant Classification Process June 2021. Collection method: clinical testing. Allele origin: germline.
Comment: Not observed at significant frequency in large population cohorts (gnomAD); In silico analysis supports that this missense variant has a deleterious effect on protein structure/function; This variant is associated with the following publications: (PMID: 32088736, 23454488, 37993691, 29168297, 38884565, 17395561)

Labcorp Genetics (formerly Invitae), Labcorp
Classification: Pathogenic. Last evaluated: 2025-10-26. Review status: criteria provided, single submitter. Criteria: Invitae Variant Classification Sherloc (09022015). Collection method: clinical testing. Allele origin: germline.
Comment: This sequence change replaces threonine, which is neutral and polar, with isoleucine, which is neutral and non-polar, at codon 371 of the ALPL protein (p.Thr371Ile). This variant is present in population databases (rs751292739, gnomAD 0.0009%). This missense change has been observed in individual(s) with hypophosphatasia (PMID: 17395561, 29168297; internal data). ClinVar contains an entry for this variant (Variation ID: 2733849). Invitae Evidence Modeling of protein sequence and biophysical properties (such as structural, functional, and spatial information, amino acid conservation, physicochemical variation, residue mobility, and thermodynamic stability) indicates that this missense variant is expected to disrupt ALPL protein function with a positive predictive value of 95%. This variant disrupts the p.Thr371 amino acid residue in ALPL. Other variant(s) that disrupt this residue have been observed in individuals with ALPL-related conditions (PMID: 36361766), which suggests that this may be a clinically significant amino acid residue. For these reasons, this variant has been classified as Pathogenic.

Genomenon, Inc
Classification: Likely pathogenic for Hypophosphatasia. Last evaluated: 2025-08-29. Review status: criteria provided, single submitter. Criteria: Genomenon Sequence Variant Interpretation Standards. Collection method: curation. Allele origin: germline. Affected: yes.
Comment: ALPL p.Thr371Ile (c.1112C>T) is a missense variant that changes the amino acid at residue 371 from Threonine to Isoleucine. This variant has been observed in a proband affected with hypophosphatasia (PMID:17395561). It has been observed in trans with a pathogenic variant (PMID:17395561). It is absent or not present at a significant frequency in gnomAD. In silico models agree that this variant is possibly or probably damaging. In conclusion, we classify ALPL p.Thr371Ile (c.1112C>T) as a likely pathogenic variant.

Literature cited by the submitters: PubMed 17395561 (cited by Labcorp Genetics (formerly Invitae), Labcorp and Genomenon, Inc); PubMed 29168297 (cited by Labcorp Genetics (formerly Invitae), Labcorp); PubMed 36361766 (cited by Labcorp Genetics (formerly Invitae), Labcorp).